The following is an entry in ClinVar:

NC_000011.9:g.(?_71146421)_(75283128_?)dup

Genes: ANAPC15 (anaphase promoting complex subunit 15; minus strand), ARAP1 (ArfGAP with RhoGAP domain, ankyrin repeat and PH domain 1; minus strand), ARAP1-AS2 (ARAP1 antisense RNA 2; plus strand), ARHGEF17 (Rho guanine nucleotide exchange factor 17; plus strand), ARHGEF17-AS1 (ARHGEF17 antisense RNA 1; minus strand) and 60 more. Cytogenetic location: 11q13.4-13.5.
Variant type: Duplication.
Identifiers: ClinVar variation 2426953 (VCV002426953.7).

ClinVar aggregate classification (germline): Uncertain significance (1 of 4 stars; one submission).

Conditions:
3-methylglutaconic aciduria, type VIIB (MGCA7B). Also called: 3-methylglutaconic aciduria with cataracts, neurologic involvement and neutropenia; 3-methylglutaconic aciduria, type VII, with cataracts, neurologic involvement and neutropenia; CLPB Deficiency. Identifiers: Orphanet 445038, MedGen C5676893, MONDO:0014561, OMIM 616271.

Submission:

Labcorp Genetics (formerly Invitae), Labcorp
Classification: Uncertain significance for 3-methylglutaconic aciduria, type VIIB. Last evaluated: 2022-08-21. Review status: criteria provided, single submitter. Criteria: Invitae Variant Classification Sherloc (09022015). Collection method: clinical testing. Allele origin: germline.
Comment: A copy number gain of the genomic region encompassing the full coding sequence of the CLPB gene has been identified. The boundaries of this event are unknown as they extend beyond the assayed region for this gene and therefore may encompass additional genes. As the precise location of this event is unknown, it may be in tandem or it may be located elsewhere in the genome. This variant has not been reported in the literature in individuals affected with CLPB-related conditions. In summary, the available evidence is currently insufficient to determine the role of this variant in disease. Therefore, it has been classified as a Variant of Uncertain Significance.